The following is an entry in ClinVar:

ClinVar aggregate classification (germline): Uncertain significance. Review status: criteria provided, multiple submitters, no conflicts (2 of 4 stars). 2 submissions from 2 submitters: Uncertain significance (2). Last evaluated 2024-03-07.

Conditions:
Bietti crystalline corneoretinal dystrophy (BCD). Also called: Bietti Crystalline Dystrophy; BIETTI TAPETORETINAL DEGENERATION WITH MARGINAL CORNEAL DYSTROPHY. Identifiers: Orphanet 41751, MedGen C1859486, MONDO:0008865, OMIM 210370.

Submissions (2):

Centre for Human Genetics, University of Kinshasa
Classification: Uncertain significance for Bietti crystalline corneoretinal dystrophy. Last evaluated: 2024-03-07. Review status: criteria provided, single submitter. Criteria: ACMG Guidelines, 2015. Collection method: research. Allele origin: unknown. Inheritance: Autosomal recessive inheritance. Affected: yes. Observed: 1 compound heterozygote.
Comment: The variants in a gene (CYP4V2) are previously associated with Bietti crystalline corneoretinal dystrophy. This missense variant is present in gnomAD population database. This variant has been submitted in ClinVar as uncertain significance (PM2; Accession: VCV001504134.4). Computational prediction tools are aggregated as uncertain effect on the gene. Both parents were unavailable for testing. This variant was assumed to be in trans with the missense NM_207352.4:c.1355G>A (p.Arg452His) on the other chromosome, matching with the known mode of inheritance and with the assumption of compound heterozygosity as the most likely genotype.

Labcorp Genetics (formerly Invitae), Labcorp
Classification: Uncertain significance. Last evaluated: 2021-11-23. Review status: criteria provided, single submitter. Criteria: Invitae Variant Classification Sherloc (09022015). Collection method: clinical testing. Allele origin: germline.
Comment: Advanced modeling of protein sequence and biophysical properties (such as structural, functional, and spatial information, amino acid conservation, physicochemical variation, residue mobility, and thermodynamic stability) performed at Invitae indicates that this missense variant is not expected to disrupt CYP4V2 protein function. In summary, the available evidence is currently insufficient to determine the role of this variant in disease. Therefore, it has been classified as a Variant of Uncertain Significance. This missense change has been observed in individual(s) with Bietti crystalline dystrophy (PMID: 22205354). This variant is not present in population databases (gnomAD no frequency). This sequence change replaces leucine, which is neutral and non-polar, with phenylalanine, which is neutral and non-polar, at codon 258 of the CYP4V2 protein (p.Leu258Phe).

Literature cited by the submitters: PubMed 22205354 (cited by Labcorp Genetics (formerly Invitae), Labcorp).

NM_207352.4(CYP4V2):c.772C>T (p.Leu258Phe)

Gene: CYP4V2 (cytochrome P450 family 4 subfamily V member 2; plus strand). Cytogenetic location: 4q35.1.
Variant type: single nucleotide variant.
Coding change: c.772C>T on transcript NM_207352.4 (MANE Select); coding-DNA position 772, C replaced by T.
Protein change: p.Leu258Phe; replaces leucine 258 with phenylalanine.
Molecular consequence: missense variant.
Genome position (GRCh38, 1-based): chr4:186,199,054, C>T. VCF-style: chr4-186199054-C-T. GRCh37 (hg19) VCF-style: chr4-187120208-C-T.
Other names: short protein forms L258F.
Identifiers: ClinVar variation 1504134 (VCV001504134.7), dbSNP rs761190623, ClinGen allele CA358948095.